The following is an entry in ClinVar:

NM_015450.3(POT1):c.956G>T (p.Gly319Val)

Gene: POT1 (protection of telomeres 1; minus strand). Cytogenetic location: 7q31.33.
Variant type: single nucleotide variant.
Coding change: c.956G>T on transcript NM_015450.3 (MANE Select); coding-DNA position 956, G replaced by T.
Protein change: p.Gly319Val; replaces glycine 319 with valine.
Molecular consequence: missense variant. On other transcripts: non-coding transcript variant (3).
Genome position (GRCh38, 1-based): chr7:124,846,992, C>A on the plus strand (G>T on the coding strand, the complement: POT1 is on the minus strand). VCF-style: chr7-124846992-C-A. GRCh37 (hg19) VCF-style: chr7-124487046-C-A.
Other names: c.563G>T, p.Gly188Val (NM_001042594.2); c.956G>T (NM_015450.2); short protein forms G188V, G319V.
Identifiers: ClinVar variation 1991350 (VCV001991350.5), dbSNP rs2485418673, ClinGen allele CA369053845.

ClinVar aggregate classification (germline): Uncertain significance. Review status: criteria provided, multiple submitters, no conflicts (2 of 4 stars). 2 submissions from 2 submitters: Uncertain significance (2). Last evaluated 2023-11-14.

Conditions:
Tumor predisposition syndrome 3 (TPDS3). Also called: Melanoma, cutaneous malignant, susceptibility to, 10; Glioma susceptibility 9; LONG TELOMERE SYNDROME, POT1-RELATED; POT1 Tumor Predisposition. Identifiers: Orphanet 618, MedGen C4014476, MONDO:0014368, OMIM 615848.

Submissions (2):

GeneDx
Classification: Uncertain significance. Last evaluated: 2023-11-14. Review status: criteria provided, single submitter. Criteria: GeneDx Variant Classification Process June 2021. Collection method: clinical testing. Allele origin: germline. Affected: yes.
Comment: Not observed at significant frequency in large population cohorts (gnomAD); In silico analysis supports that this missense variant does not alter protein structure/function; Has not been previously published as pathogenic or benign to our knowledge; In silico analysis is inconclusive as to whether the variant alters gene splicing. In the absence of RNA/functional studies, the actual effect of this sequence change is unknown.

Labcorp Genetics (formerly Invitae), Labcorp
Classification: Uncertain significance for Tumor predisposition syndrome 3. Last evaluated: 2022-05-07. Review status: criteria provided, single submitter. Criteria: Invitae Variant Classification Sherloc (09022015). Collection method: clinical testing. Allele origin: germline.
Comment: This variant is not present in population databases (gnomAD no frequency). This sequence change replaces glycine, which is neutral and non-polar, with valine, which is neutral and non-polar, at codon 319 of the POT1 protein (p.Gly319Val). This variant has not been reported in the literature in individuals affected with POT1-related conditions. Algorithms developed to predict the effect of missense changes on protein structure and function are either unavailable or do not agree on the potential impact of this missense change (SIFT: "Deleterious"; PolyPhen-2: "Benign"; Align-GVGD: "Class C0"). Algorithms developed to predict the effect of sequence changes on RNA splicing suggest that this variant may disrupt the consensus splice site. In summary, the available evidence is currently insufficient to determine the role of this variant in disease. Therefore, it has been classified as a Variant of Uncertain Significance.